The following is an entry in ClinVar:

NM_003664.5(AP3B1):c.2543G>T (p.Gly848Val)

Gene: AP3B1 (adaptor related protein complex 3 subunit beta 1; minus strand). Cytogenetic location: 5q14.1.
Variant type: single nucleotide variant.
Coding change: c.2543G>T on transcript NM_003664.5 (MANE Select); coding-DNA position 2543, G replaced by T.
Protein change: p.Gly848Val; replaces glycine 848 with valine.
Molecular consequence: missense variant.
Genome position (GRCh38, 1-based): chr5:78,089,427, C>A on the plus strand (G>T on the coding strand, the complement: AP3B1 is on the minus strand). VCF-style: chr5-78089427-C-A. GRCh37 (hg19) VCF-style: chr5-77385251-C-A.
Other names: c.2396G>T, p.Gly799Val (NM_001271769.2); c.2543G>T, p.Gly848Val (NM_001410752.1); short protein forms G799V, G848V.
Identifiers: ClinVar variation 4726884 (VCV004726884.1).

ClinVar aggregate classification (germline): Uncertain significance (1 of 4 stars; one submission).

Conditions:
Hermansky-Pudlak syndrome 2 (HPS2). Also called: Platelet defects and oculocutaneous albinism. Identifiers: Orphanet 183678, Orphanet 79430, MedGen C1842362, MONDO:0011997, OMIM 608233.

gnomAD v4.1: 1 of 1,613,150 alleles (0.000062%); highest among the groups gnomAD compares: Non-Finnish European, 0.000085%; no homozygotes.

Submission:

Labcorp Genetics (formerly Invitae), Labcorp
Classification: Uncertain significance for Hermansky-Pudlak syndrome 2. Last evaluated: 2025-09-09. Review status: criteria provided, single submitter. Criteria: Invitae Variant Classification Sherloc (09022015). Collection method: clinical testing. Allele origin: germline.
Comment: This sequence change replaces glycine, which is neutral and non-polar, with valine, which is neutral and non-polar, at codon 848 of the AP3B1 protein (p.Gly848Val). This variant is not present in population databases (gnomAD no frequency). This variant has not been reported in the literature in individuals affected with AP3B1-related conditions. An algorithm developed to predict the effect of missense changes on protein structure and function (PolyPhen-2) suggests that this variant is likely to be disruptive. In summary, the available evidence is currently insufficient to determine the role of this variant in disease. Therefore, it has been classified as a Variant of Uncertain Significance.